The following is an entry in ClinVar:

ClinVar aggregate classification (germline): Benign/Likely benign. Review status: criteria provided, multiple submitters, no conflicts (2 of 4 stars). 8 submissions from 8 submitters: Benign (5); Likely benign (3). Last evaluated 2026-03-27.

Conditions:
Long QT syndrome (LQTS). Identifiers: MedGen C0023976, MeSH D008133, MONDO:0002442. Disease mechanism: loss of function. Inheritance: Various modes of inheritance.

Allele frequency attached by ClinVar (database versions not stated): gnomAD exomes 0.00016 and 0.00043; ExAC 0.00063; TOPMed 0.00173; gnomAD 0.00179 and 0.00194; 1000 Genomes Project 0.00200; ESP Exome Variant Server 0.00209; 1000 Genomes Project 30x 0.00234.
gnomAD v4.1: 511 of 1,611,758 alleles (0.032%); highest among the groups gnomAD compares: African/African-American, 0.63%; 4 homozygotes.

Submissions (8):

Molecular Diagnostic Laboratory for Inherited Cardiovascular Disease, Montreal Heart Institute
Classification: Likely benign. Last evaluated: 2026-03-27. Review status: criteria provided, single submitter. Criteria: ACMG Guidelines, 2015. Collection method: clinical testing. Allele origin: germline. Affected: no.

Labcorp Genetics (formerly Invitae), Labcorp
Classification: Benign for Long QT syndrome. Last evaluated: 2026-02-03. Review status: criteria provided, single submitter. Criteria: Invitae Variant Classification Sherloc (09022015). Collection method: clinical testing. Allele origin: germline.

Mayo Clinic Laboratories, Mayo Clinic
Classification: Likely benign. Last evaluated: 2025-02-26. Review status: criteria provided, single submitter. Criteria: ACMG Guidelines, 2015. Collection method: clinical testing. Allele origin: germline. Observed: 2 variant alleles.
Comment: BS1, BP4, BP7

ARUP Laboratories, Molecular Genetics and Genomics, ARUP Laboratories
Classification: Benign. Last evaluated: 2024-09-16. Review status: criteria provided, single submitter. Criteria: ARUP Molecular Germline Variant Investigation Process 2024. Collection method: clinical testing. Allele origin: germline.

CeGaT Center for Human Genetics Tuebingen
Classification: Benign. Last evaluated: 2023-05-01. Review status: criteria provided, single submitter. Criteria: CeGaT Center For Human Genetics Tuebingen Variant Classification Criteria Version 2. Collection method: clinical testing. Allele origin: germline. Affected: yes. Observed: 2 variant alleles.
Comment: CACNA1C: BP4, BS1, BS2

Blueprint Genetics
Classification: Likely benign. Last evaluated: 2023-02-17. Review status: criteria provided, single submitter. Criteria: ACMG Guidelines, 2015. Collection method: clinical testing. Allele origin: germline.

Eurofins Ntd Llc (ga)
Classification: Benign. Last evaluated: 2015-10-06. Review status: criteria provided, single submitter. Criteria: EGL Classification Definitions 2015. Collection method: clinical testing. Allele origin: germline. Observed: 1 variant allele, 1 heterozygote.

GeneDx
Classification: Benign. Last evaluated: 2013-11-25. Review status: criteria provided, single submitter. Criteria: GeneDx Variant Classification (06012015). Collection method: clinical testing. Allele origin: germline. Affected: yes.
Comment: This variant is considered likely benign or benign based on one or more of the following criteria: it is a conservative change, it occurs at a poorly conserved position in the protein, it is predicted to be benign by multiple in silico algorithms, and/or has population frequency not consistent with disease.

NM_000719.7(CACNA1C):c.4829-7G>A

Genes: CACNA1C-AS1 (CACNA1C antisense RNA 1; minus strand), CACNA1C (calcium voltage-gated channel subunit alpha1 C; plus strand). Cytogenetic location: 12p13.33.
Variant type: single nucleotide variant.
Coding change: c.4829-7G>A on transcript NM_000719.7 (MANE Select); 7 bases into the intron before coding-DNA position 4829, G replaced by A.
Molecular consequence: intron variant. On other transcripts: non-coding transcript variant (1).
Genome position (GRCh38, 1-based): chr12:2,677,087, G>A. VCF-style: chr12-2677087-G-A. GRCh37 (hg19) VCF-style: chr12-2786253-G-A.
Other names: p.?; c.4829-7G>A (NM_001167624.3, NM_001167623.2, NM_001129840.2 and 4 more transcripts); c.4796-7G>A (NM_001167625.2, NM_001129846.2); c.4973-7G>A (NM_199460.4, NM_001129827.2); c.4889-7G>A (NM_001129832.2); c.4913-7G>A (NM_001129831.2); c.4886-7G>A (NM_001129833.2, NM_001129834.2, NM_001129835.2); c.4952-7G>A (NM_001129829.2); and 4 more.
Identifiers: ClinVar variation 136629 (VCV000136629.43), dbSNP rs137904817, ClinGen allele CA289876.